The following is an entry in ClinVar:

ClinVar aggregate classification (germline): Uncertain significance (1 of 4 stars; one submission).

Conditions:
Inosine triphosphatase deficiency. Also called: INOSINE TRIPHOSPHATE PYROPHOSPHOHYDROLASE DEFICIENCY. Identifiers: MedGen C0342800, MONDO:0013461, OMIM 613850.

Allele frequency attached by ClinVar (database versions not stated): TOPMed below 0.00001; gnomAD 0.00001.
gnomAD v4.1: 15 of 1,614,026 alleles (0.00093%); highest among the groups gnomAD compares: Non-Finnish European, 0.0012%; no homozygotes.

Submission:

Labcorp Genetics (formerly Invitae), Labcorp
Classification: Uncertain significance for Inosine triphosphatase deficiency. Last evaluated: 2023-12-27. Review status: criteria provided, single submitter. Criteria: Invitae Variant Classification Sherloc (09022015). Collection method: clinical testing. Allele origin: germline.
Comment: This sequence change replaces tyrosine, which is neutral and polar, with aspartic acid, which is acidic and polar, at codon 87 of the ITPA protein (p.Tyr87Asp). This variant is present in population databases (no rsID available, gnomAD 0.007%). This missense change has been observed in individual(s) with ITPA-related conditions (Invitae). In at least one individual the data is consistent with being in trans (on the opposite chromosome) from a pathogenic variant. ClinVar contains an entry for this variant (Variation ID: 645704). An algorithm developed to predict the effect of missense changes on protein structure and function (PolyPhen-2) suggests that this variant is likely to be disruptive. In summary, the available evidence is currently insufficient to determine the role of this variant in disease. Therefore, it has been classified as a Variant of Uncertain Significance.

NM_033453.4(ITPA):c.259T>G (p.Tyr87Asp)

Gene: ITPA (inosine triphosphatase; plus strand). Cytogenetic location: 20p13.
Variant type: single nucleotide variant.
Coding change: c.259T>G on transcript NM_033453.4 (MANE Select); coding-DNA position 259, T replaced by G.
Protein change: p.Tyr87Asp; replaces tyrosine 87 with aspartic acid.
Molecular consequence: missense variant. On other transcripts: 5 prime UTR variant (4), non-coding transcript variant (2).
Genome position (GRCh38, 1-based): chr20:3,214,054, T>G. VCF-style: chr20-3214054-T-G. GRCh37 (hg19) VCF-style: chr20-3194700-T-G.
Other names: c.136T>G, p.Tyr46Asp (NM_001267623.2); c.-79T>G (NM_001324236.2, NM_001324237.2, NM_001324238.2 and 1 more transcripts); c.259T>G, p.Tyr87Asp (NM_001324240.2); c.208T>G, p.Tyr70Asp (NM_181493.4); short protein forms Y46D, Y87D, Y70D.
Identifiers: ClinVar variation 645704 (VCV000645704.11), dbSNP rs969131963, ClinGen allele CA310968449.